The following is an entry in ClinVar:

NM_001754.5(RUNX1):c.614-9C>T

Gene: RUNX1 (RUNX family transcription factor 1; minus strand). Cytogenetic location: 21q22.12.
Variant type: single nucleotide variant.
Coding change: c.614-9C>T on transcript NM_001754.5 (MANE Select); 9 bases into the intron before coding-DNA position 614, C replaced by T.
Molecular consequence: intron variant.
Genome position (GRCh38, 1-based): chr21:34,834,610, G>A on the plus strand (C>T on the coding strand, the complement: RUNX1 is on the minus strand). VCF-style: chr21-34834610-G-A. GRCh37 (hg19) VCF-style: chr21-36206907-G-A.
Other names: c.533-9C>T (NM_001001890.3, NM_001122607.2).
Identifiers: ClinVar variation 706138 (VCV000706138.13), dbSNP rs999210074, ClinGen allele CA320603743.

ClinVar aggregate classification (germline): Uncertain significance. Review status: reviewed by expert panel (3 of 4 stars). 2 submissions from 2 submitters: Uncertain significance (1). 1 of the submissions does not count toward it. Last evaluated 2025-03-26.

Conditions:
Hereditary thrombocytopenia and hematological cancer predisposition syndrome associated with RUNX1. Also called: RUNX1 Familial Platelet Disorder with Associated Myeloid Malignancies; Familial Platelet Disorder with Propensity to Acute Myelogenous Leukemia; PLATELET DISORDER, ASPIRIN-LIKE; Familial thrombocytopenia with propensity to acute myelogenous leukemia. Identifiers: Orphanet 71290, MedGen C1832388, MeSH C563324, MONDO:0100083, OMIM 601399.
Hereditary thrombocytopenia and hematologic cancer predisposition syndrome. Identifiers: Orphanet 71290, MedGen CN281654, MONDO:0011071.

gnomAD v4.1: 2 of 1,608,598 alleles (0.00012%); highest among the groups gnomAD compares: Non-Finnish European, 0.00017%; no homozygotes.

Submissions (2):

ClinGen Myeloid Malignancy Variant Curation Expert Panel
Classification: Uncertain significance for Hereditary thrombocytopenia and hematologic cancer predisposition syndrome. Last evaluated: 2025-03-26. Review status: reviewed by expert panel. Criteria: ClinGen MyeloMalig ACMG Specifications v2. Collection method: curation. Allele origin: germline. Inheritance: Autosomal dominant inheritance.
Comment: NM_001754.5(RUNX1):c.614-9C>T is an intronic variant which has a SpliceAI score ≤ 0.20 (0.01) (BP4). In summary, the clinical significance of this variant is uncertain. ACMG/AMP criteria applied, as specified by the Myeloid Malignancy Variant Curation Expert Panel for RUNX1: BP4.

Labcorp Genetics (formerly Invitae), Labcorp
Classification: Likely benign for Hereditary thrombocytopenia and hematological cancer predisposition syndrome associated with RUNX1. Last evaluated: 2025-08-07. Review status: criteria provided, single submitter. Criteria: Invitae Variant Classification Sherloc (09022015). Collection method: clinical testing. Allele origin: germline. Not counted in ClinVar's aggregate classification.